The following is an entry in ClinVar:

ClinVar aggregate classification (germline): Likely benign. Review status: criteria provided, multiple submitters, no conflicts (2 of 4 stars). 4 submissions from 4 submitters: Likely benign (4). Last evaluated 2026-09-25.

Conditions:
Inborn genetic diseases. Identifiers: MedGen C0950123, MeSH D030342.
SAMD9-related disorder. Also called: SAMD9-related condition.

Allele frequency attached by ClinVar (database versions not stated): TOPMed 0.00005; gnomAD exomes 0.00008 and 0.00010; gnomAD 0.00009; ExAC 0.00011; ESP Exome Variant Server 0.00015.

Submissions (4):

PreventionGenetics, part of Exact Sciences
Classification: Likely benign for SAMD9-related condition. Last evaluated: 2026-09-25. Review status: criteria provided, single submitter. Criteria: ACMG Guidelines, 2015. Collection method: clinical testing. Allele origin: germline.
Comment: This variant is classified as likely benign based on ACMG/AMP sequence variant interpretation guidelines (Richards et al. 2015 PMID: 25741868, with internal and published modifications).

Labcorp Genetics (formerly Invitae), Labcorp
Classification: Likely benign. Last evaluated: 2025-11-25. Review status: criteria provided, single submitter. Criteria: Invitae Variant Classification Sherloc (09022015). Collection method: clinical testing. Allele origin: germline.

Ambry Genetics
Classification: Likely benign for Inborn genetic diseases. Last evaluated: 2024-11-22. Review status: criteria provided, single submitter. Criteria: Ambry Variant Classification Scheme 2023. Collection method: clinical testing. Allele origin: germline.

Genetic Services Laboratory, University of Chicago
Classification: Likely benign. Last evaluated: 2020-02-25. Review status: criteria provided, single submitter. Criteria: ACMG Guidelines, 2015. Collection method: clinical testing. Allele origin: germline. Affected: no.

NM_017654.4(SAMD9):c.2616C>A (p.Ile872=)

Gene: SAMD9 (sterile alpha motif domain containing 9; minus strand). Cytogenetic location: 7q21.2.
Variant type: single nucleotide variant.
Coding change: c.2616C>A on transcript NM_017654.4 (MANE Select); coding-DNA position 2616, C replaced by A.
Protein change: p.Ile872=; no amino-acid change (isoleucine 872 retained).
Molecular consequence: synonymous variant.
Genome position (GRCh38, 1-based): chr7:93,103,482, G>T on the plus strand (C>A on the coding strand, the complement: SAMD9 is on the minus strand). VCF-style: chr7-93103482-G-T. GRCh37 (hg19) VCF-style: chr7-92732795-G-T.
Other names: c.2616C>A, p.Ile872= (NM_001193307.2).
Identifiers: ClinVar variation 1337551 (VCV001337551.10), dbSNP rs147774813, ClinGen allele CA4342810.
Genomic context (GRCh38, chr7:93,103,482, plus strand): 5'-AAAATTGGTTTTCATGATCATAAAGGAATAAAAATCCTCAAAGTTTTTATGCTGTTCTTT[G>T]ATTTCTTTCAATTTAAGCTCAAAAGCTCTCTGTTCTTTGGGAGAGAGTTGCTGTATTACG-3'
Protein context (NP_060124.2, residues 862-882): QRAFELKLKE[Ile872=]KEQHKNFEDF